The following is an entry in ClinVar:

NM_001099403.2(PRDM8):c.1279_1284del (p.Ala427_Ala428del)

Gene: PRDM8 (PR/SET domain 8; plus strand). Cytogenetic location: 4q21.21.
Variant type: Deletion.
Coding change: c.1279_1284del on transcript NM_001099403.2 (MANE Select); coding-DNA positions 1279 to 1284, 6 bases deleted (GCCGCG; older notation c.1279_1284delGCCGCG).
Protein change: p.Ala427_Ala428del.
Molecular consequence: inframe deletion.
Genome position (GRCh38, 1-based): chr4:80,202,741-80,202,746, GCCGCG deleted; deleting any 6 consecutive bases within chr4:80,202,736-80,202,746 gives the same sequence; the c. name uses the placement nearest the transcript's 3' end. VCF-style (leftmost placement, unchanged base first): chr4-80202735-CCCGCGG-C. GRCh37 (hg19) VCF-style: chr4-81123889-CCCGCGG-C.
Other names: c.1279_1284del, p.Ala427_Ala428del (NM_020226.4).
Identifiers: ClinVar variation 939773 (VCV000939773.9), dbSNP rs1738619565, ClinGen allele CA1139658540.

ClinVar aggregate classification (germline): Uncertain significance (1 of 4 stars; one submission).

Conditions:
Early-onset Lafora body disease. Also called: Epilepsy, progressive myoclonic, 10. Identifiers: Orphanet 324290, MedGen C4225258, MONDO:0014717, OMIM 616640.

Submission:

Labcorp Genetics (formerly Invitae), Labcorp
Classification: Uncertain significance for Early-onset Lafora body disease. Last evaluated: 2019-05-20. Review status: criteria provided, single submitter. Criteria: Invitae Variant Classification Sherloc (09022015). Collection method: clinical testing. Allele origin: germline.
Comment: This variant, c.1279_1284del, results in the deletion of 2 amino acid(s) of the PRDM8 protein (p.Ala427_Ala428del), but otherwise preserves the integrity of the reading frame. The frequency data for this variant in the population databases is considered unreliable, as metrics indicate insufficient coverage at this position in the ExAC database. This variant has not been reported in the literature in individuals with PRDM8-related conditions. Experimental studies and prediction algorithms are not available or were not evaluated for this variant, and the functional significance of the affected amino acid(s) is currently unknown. In summary, the available evidence is currently insufficient to determine the role of this variant in disease. Therefore, it has been classified as a Variant of Uncertain Significance.